The following is an entry in ClinVar:

NM_001318734.2(KLC2):c.840C>T (p.Ala280=)

Genes: KLC2 (kinesin light chain 2; plus strand), KLC2-AS1 (KLC2 antisense RNA 1; minus strand). Cytogenetic location: 11q13.2.
Variant type: single nucleotide variant.
Coding change: c.840C>T on transcript NM_001318734.2 (MANE Select); coding-DNA position 840, C replaced by T.
Protein change: p.Ala280=; no amino-acid change (alanine 280 retained).
Molecular consequence: synonymous variant. On other transcripts: non-coding transcript variant (1).
Genome position (GRCh38, 1-based): chr11:66,263,747, C>T. VCF-style: chr11-66263747-C-T. GRCh37 (hg19) VCF-style: chr11-66031218-C-T.
Other names: c.609C>T, p.Ala203= (NM_001134774.2); c.840C>T, p.Ala280= (NM_001134775.2, NM_001134776.2, NM_022822.3).
Identifiers: ClinVar variation 3608096 (VCV003608096.2).

ClinVar aggregate classification (germline): Uncertain significance (1 of 4 stars; one submission).

gnomAD v4.1: 15 of 1,613,118 alleles (0.00093%); highest among the groups gnomAD compares: East Asian, 0.0089%; no homozygotes.

Submission:

Labcorp Genetics (formerly Invitae), Labcorp
Classification: Uncertain significance. Last evaluated: 2024-08-28. Review status: criteria provided, single submitter. Criteria: Invitae Variant Classification Sherloc (09022015). Collection method: clinical testing. Allele origin: germline.
Comment: This sequence change affects codon 280 of the KLC2 mRNA. It is a 'silent' change, meaning that it does not change the encoded amino acid sequence of the KLC2 protein. It affects a nucleotide within the consensus splice site. This variant is present in population databases (rs748469044, gnomAD 0.009%). This variant has not been reported in the literature in individuals affected with KLC2-related conditions. Algorithms developed to predict the effect of sequence changes on RNA splicing suggest that this variant is not likely to affect RNA splicing. In summary, the available evidence is currently insufficient to determine the role of this variant in disease. Therefore, it has been classified as a Variant of Uncertain Significance.